The following is an entry in ClinVar:

ClinVar aggregate classification (germline): Uncertain significance (1 of 4 stars; one submission).

Allele frequency attached by ClinVar (database versions not stated): TOPMed below 0.00001.

Submission:

Ambry Genetics
Classification: Uncertain significance. Last evaluated: 2023-03-08. Review status: criteria provided, single submitter. Criteria: Ambry Variant Classification Scheme 2023. Collection method: clinical testing. Allele origin: germline.
Comment: The p.P1270T variant (also known as c.3808C>A), located in coding exon 16 of the POLQ gene, results from a C to A substitution at nucleotide position 3808. The proline at codon 1270 is replaced by threonine, an amino acid with highly similar properties. This amino acid position is conserved. In addition, this alteration is predicted to be tolerated by in silico analysis. Since supporting evidence is limited at this time, the clinical significance of this alteration remains unclear.

NM_199420.4(POLQ):c.3808C>A (p.Pro1270Thr)

Gene: POLQ (DNA polymerase theta; minus strand). Cytogenetic location: 3q13.33.
Variant type: single nucleotide variant.
Coding change: c.3808C>A on transcript NM_199420.4 (MANE Select); coding-DNA position 3808, C replaced by A.
Protein change: p.Pro1270Thr; replaces proline 1270 with threonine.
Molecular consequence: missense variant.
Genome position (GRCh38, 1-based): chr3:121,489,123, G>T on the plus strand (C>A on the coding strand, the complement: POLQ is on the minus strand). VCF-style: chr3-121489123-G-T. GRCh37 (hg19) VCF-style: chr3-121207970-G-T.
Other names: short protein forms P1270T.
Identifiers: ClinVar variation 2497192 (VCV002497192.2), dbSNP rs867569499, ClinGen allele CA354097148.